The following is an entry in ClinVar:

NM_001374623.1(PNPLA1):c.606G>T (p.Arg202=)

Gene: PNPLA1 (patatin like domain 1, omega-hydroxyceramide transacylase; plus strand). Cytogenetic location: 6p21.31.
Variant type: single nucleotide variant.
Coding change: c.606G>T on transcript NM_001374623.1 (MANE Select); coding-DNA position 606, G replaced by T.
Protein change: p.Arg202=; no amino-acid change (arginine 202 retained).
Molecular consequence: synonymous variant.
Genome position (GRCh38, 1-based): chr6:36,294,291, G>T. VCF-style: chr6-36294291-G-T. GRCh37 (hg19) VCF-style: chr6-36262068-G-T.
Other names: c.348G>T, p.Arg116= (NM_001145716.2); c.606G>T, p.Arg202= (NM_001145717.1); c.321G>T, p.Arg107= (NM_173676.2).
Identifiers: ClinVar variation 4978208 (VCV004978208.1).
Genomic context (GRCh38, chr6:36,294,291, plus strand): 5'-CTTCTGGACCGACGCCATCACCATCTCCACCTTCAGTGGGCAGCAGGACATCTGTCCCCG[G>T]GACTGCCCGGCCATCTTCCACGACTTCCGCATGTTCAACTGCTCCTTCCAGTTCTCCCTG-3'
Protein context (NP_001361552.1, residues 192-212): TFSGQQDICP[Arg202=]DCPAIFHDFR

ClinVar aggregate classification (germline): Likely benign (1 of 4 stars; one submission).

Conditions:
PNPLA1-related disorder. Also called: PNPLA1-related condition.

gnomAD v4.1: 18 of 1,614,026 alleles (0.0011%); highest among the groups gnomAD compares: African/African-American, 0.024%; no homozygotes.

Submission:

PreventionGenetics, part of Exact Sciences
Classification: Likely benign for PNPLA1-related condition. Last evaluated: 2025-10-31. Review status: criteria provided, single submitter. Criteria: ACMG Guidelines, 2015. Collection method: clinical testing. Allele origin: germline.
Comment: This variant is classified as likely benign based on ACMG/AMP sequence variant interpretation guidelines (Richards et al. 2015 PMID: 25741868, with internal and published modifications).